The following is an entry in ClinVar:

NM_000540.3(RYR1):c.13324G>T (p.Asp4442Tyr)

Genes: RYR1 (ryanodine receptor 1; plus strand), LOC130064357 (ATAC-STARR-seq lymphoblastoid silent region 10577; plus strand). Cytogenetic location: 19q13.2.
Variant type: single nucleotide variant.
Coding change: c.13324G>T on transcript NM_000540.3 (MANE Select); coding-DNA position 13324, G replaced by T.
Protein change: p.Asp4442Tyr; replaces aspartic acid 4442 with tyrosine.
Molecular consequence: missense variant.
Genome position (GRCh38, 1-based): chr19:38,565,658, G>T. VCF-style: chr19-38565658-G-T. GRCh37 (hg19) VCF-style: chr19-39056298-G-T.
Other names: c.13309G>T, p.Asp4437Tyr (NM_001042723.2); short protein forms D4442Y, D4437Y.
Identifiers: ClinVar variation 590430 (VCV000590430.5), dbSNP rs757011909, ClinGen allele CA405674998.
Genomic context (GRCh38, chr19:38,565,658, plus strand): 5'-GAGGAGGAGGCGGTGCACGAGGCCGGGCCGGGCGGTGCCGACGGGGCGGTGGCCGTGACC[G>T]ATGGGGGCCCCTTCCGGCCCGAAGGGGCTGGCGGTCTCGGGGACATGGGGGACACGACGC-3'
Protein context (NP_000531.2, residues 4432-4452): GGADGAVAVT[Asp4442Tyr]GGPFRPEGAG

ClinVar aggregate classification (germline): Uncertain significance. Review status: criteria provided, multiple submitters, no conflicts (2 of 4 stars). 2 submissions from 2 submitters: Uncertain significance (2). Last evaluated 2024-11-17.

Conditions:
RYR1-related disorder. Also called: RYR1-related disorders; RYR1-related condition. Identifiers: MedGen CN239331.

Allele frequency attached by ClinVar (database versions not stated): TOPMed below 0.00001.
gnomAD v4.1: 2 of 1,389,736 alleles (0.00014%); highest among the groups gnomAD compares: Admixed American, 0.0036%; no homozygotes.

Submissions (2):

Labcorp Genetics (formerly Invitae), Labcorp
Classification: Uncertain significance for RYR1-related disorder. Last evaluated: 2024-11-17. Review status: criteria provided, single submitter. Criteria: Invitae Variant Classification Sherloc (09022015). Collection method: clinical testing. Allele origin: germline.
Comment: This sequence change replaces aspartic acid, which is acidic and polar, with tyrosine, which is neutral and polar, at codon 4442 of the RYR1 protein (p.Asp4442Tyr). This variant is not present in population databases (gnomAD no frequency). This variant has not been reported in the literature in individuals affected with RYR1-related conditions. ClinVar contains an entry for this variant (Variation ID: 590430). Invitae Evidence Modeling of protein sequence and biophysical properties (such as structural, functional, and spatial information, amino acid conservation, physicochemical variation, residue mobility, and thermodynamic stability) has been performed for this missense variant. However, the output from this modeling did not meet the statistical confidence thresholds required to predict the impact of this variant on RYR1 protein function. In summary, the available evidence is currently insufficient to determine the role of this variant in disease. Therefore, it has been classified as a Variant of Uncertain Significance.

PreventionGenetics, part of Exact Sciences
Classification: Uncertain significance. Last evaluated: 2014-10-10. Review status: criteria provided, single submitter. Criteria: ACMG Guidelines, 2015. Collection method: clinical testing. Allele origin: germline.